The following is an entry in ClinVar:

ClinVar aggregate classification (germline): Conflicting classifications of pathogenicity. Review status: criteria provided, conflicting classifications (1 of 4 stars). 7 submissions from 7 submitters: Uncertain significance (3); Likely benign (3). 1 of the submissions does not count toward it. Last evaluated 2026-08-01.

Conditions:
Ehlers-Danlos syndrome (EDS). Identifiers: Orphanet 98249, MedGen C0013720, MONDO:0020066.
Ehlers-Danlos syndrome, dermatosparaxis type. Also called: Ehlers-Danlos syndrome, type VII, autosomal recessive; EDS VIIC; Dermatosparaxis. Identifiers: Orphanet 1901, MedGen C2700425, MONDO:0009161, OMIM 225410.

Submissions (7):

CeGaT Center for Human Genetics Tuebingen
Classification: Uncertain significance. Last evaluated: 2026-08-01. Review status: criteria provided, single submitter. Criteria: CeGaT Center For Human Genetics Tuebingen Variant Classification Criteria Version 2. Collection method: clinical testing. Allele origin: germline. Affected: yes. Observed: 1 variant allele.
Comment: ADAMTS2: PM4:Supporting

Women's Health and Genetics/Laboratory Corporation of America, LabCorp
Classification: Likely benign. Last evaluated: 2026-03-10. Review status: criteria provided, single submitter. Criteria: LabCorp Variant Classification Summary - May 2015. Collection method: clinical testing. Allele origin: germline.
Comment: Variant summary: ADAMTS2 c.128_130dupCCG (p.Ala43dup) results in an in-frame duplication that is predicted to duplicate one amino acid into the encoded protein. Consensus agreement among computation tools predict no significant impact on normal splicing. However, these predictions have yet to be confirmed by functional studies. The variant allele was found at a frequency of 0.0019 in 27996 control chromosomes, predominantly at a frequency of 0.0063 within the African or African-American subpopulation in the gnomAD genomes database. The observed variant frequency within African or African-American control individuals in the gnomAD database exceeds the estimated maximal expected allele frequency for disease-causing variants in ADAMTS2. To our knowledge, no occurrence of c.128_130dupCCG in individuals affected with ADAMTS2-related conditions and no experimental evidence demonstrating its impact on protein function have been reported. ClinVar contains an entry for this variant (Variation ID: 506648). Based on the evidence outlined above, the variant was classified as likely benign.

Mayo Clinic Laboratories, Mayo Clinic
Classification: Likely benign. Last evaluated: 2025-05-13. Review status: criteria provided, single submitter. Criteria: ACMG Guidelines, 2015. Collection method: clinical testing. Allele origin: germline. Observed: 3 variant alleles.
Comment: BS1, BP3

Labcorp Genetics (formerly Invitae), Labcorp
Classification: Uncertain significance for Ehlers-Danlos syndrome, dermatosparaxis type. Last evaluated: 2022-08-31. Review status: criteria provided, single submitter. Criteria: Invitae Variant Classification Sherloc (09022015). Collection method: clinical testing. Allele origin: germline.
Comment: This variant, c.128_130dup, results in the insertion of 1 amino acid(s) of the ADAMTS2 protein (p.Ala43dup), but otherwise preserves the integrity of the reading frame. The frequency data for this variant in the population databases is considered unreliable, as metrics indicate poor data quality at this position in the gnomAD database. This variant has not been reported in the literature in individuals affected with ADAMTS2-related conditions. ClinVar contains an entry for this variant (Variation ID: 506648). Experimental studies and prediction algorithms are not available or were not evaluated, and the functional significance of this variant is currently unknown. In summary, the available evidence is currently insufficient to determine the role of this variant in disease. Therefore, it has been classified as a Variant of Uncertain Significance.

GeneDx
Classification: Likely benign. Last evaluated: 2022-03-16. Review status: criteria provided, single submitter. Criteria: GeneDx Variant Classification Process June 2021. Collection method: clinical testing. Allele origin: germline. Affected: yes.

Genome Diagnostics Laboratory, The Hospital for Sick Children
Classification: Uncertain significance for Ehlers-Danlos syndrome. Last evaluated: 2021-12-06. Review status: criteria provided, single submitter. Criteria: ACMG Guidelines, 2015. Collection method: clinical testing. Allele origin: germline.

Natera, Inc.
Classification: Likely benign for Ehlers-Danlos syndrome type VIIC. Last evaluated: 2020-09-16. Review status: no assertion criteria provided. Collection method: clinical testing. Allele origin: germline. Not counted in ClinVar's aggregate classification.

NM_014244.5(ADAMTS2):c.119CCG[5] (p.Ala43dup)

Gene: ADAMTS2 (ADAM metallopeptidase with thrombospondin type 1 motif 2; minus strand). Cytogenetic location: 5q35.3.
Variant type: Microsatellite.
Coding change: c.119CCG[5] on transcript NM_014244.5 (MANE Select); five copies in a row of the 3-base unit CCG starting at c.119; the reference has four copies in a row; one copy, 3 bases duplicated; also written c.128_130dup.
Protein change: p.Ala43dup; duplicates alanine 43.
Molecular consequence: inframe insertion.
Genome position (GRCh38, 1-based): chr5:179,345,199-179,345,201, CGG duplicated on the plus strand (CCG on the coding strand, the reverse complement: ADAMTS2 is on the minus strand); duplicating any 3 consecutive bases within chr5:179,345,199-179,345,212 gives the same sequence; the position shown is the placement nearest the transcript's 3' end. VCF-style (leftmost placement, unchanged base first): chr5-179345198-T-TCGG. GRCh37 (hg19) VCF-style: chr5-178772199-T-TCGG.
Other names: p.Ala43dup; c.128_130dup (NM_014244.5); c.128_130dupCCG (NM_014244.5); c.119CCG[5], p.Ala43dup (NM_021599.4).
Identifiers: ClinVar variation 506648 (VCV000506648.15), dbSNP rs1174228917, ClinGen allele CA565121198.